The following is an entry in ClinVar:

NM_022916.6(VPS33A):c.1191C>T (p.Ile397=)

Gene: VPS33A (VPS33A core subunit of CORVET and HOPS complexes; minus strand). Cytogenetic location: 12q24.31.
Variant type: single nucleotide variant.
Coding change: c.1191C>T on transcript NM_022916.6 (MANE Select); coding-DNA position 1191, C replaced by T.
Protein change: p.Ile397=; no amino-acid change (isoleucine 397 retained).
Molecular consequence: synonymous variant.
Genome position (GRCh38, 1-based): chr12:122,238,698, G>A on the plus strand (C>T on the coding strand, the complement: VPS33A is on the minus strand). VCF-style: chr12-122238698-G-A. GRCh37 (hg19) VCF-style: chr12-122723245-G-A.
Other names: c.1158C>T, p.Ile386= (NM_001351018.2); c.1143C>T, p.Ile381= (NM_001351019.2); c.870C>T, p.Ile290= (NM_001351020.2); c.1191C>T (NM_022916.4).
Identifiers: ClinVar variation 1528315 (VCV001528315.23), dbSNP rs151260098, ClinGen allele CA6844379.

ClinVar aggregate classification (germline): Likely benign. Review status: criteria provided, multiple submitters, no conflicts (2 of 4 stars). 3 submissions from 3 submitters: Likely benign (2). 1 of the submissions does not count toward it. Last evaluated 2025-09-18.

Conditions:
VPS33A-related disorder. Also called: VPS33A-related condition.

Allele frequency attached by ClinVar (database versions not stated): 1000 Genomes Project 30x 0.00125; gnomAD exomes 0.00003 and 0.00010; ExAC 0.00014; ESP Exome Variant Server 0.00015; TOPMed 0.00030; gnomAD 0.00033 and 0.00034; 1000 Genomes Project 0.00100.
gnomAD v4.1: 94 of 1,613,340 alleles (0.0058%); highest among the groups gnomAD compares: African/African-American, 0.11%; no homozygotes.

Submissions (3):

Labcorp Genetics (formerly Invitae), Labcorp
Classification: Likely benign. Last evaluated: 2025-09-18. Review status: criteria provided, single submitter. Criteria: Invitae Variant Classification Sherloc (09022015). Collection method: clinical testing. Allele origin: germline.

CeGaT Center for Human Genetics Tuebingen
Classification: Likely benign. Last evaluated: 2024-12-01. Review status: criteria provided, single submitter. Criteria: CeGaT Center For Human Genetics Tuebingen Variant Classification Criteria Version 2. Collection method: clinical testing. Allele origin: germline. Affected: yes. Observed: 1 variant allele.
Comment: VPS33A: BP4, BP7

PreventionGenetics, part of Exact Sciences
Classification: Likely benign for VPS33A-related condition. Last evaluated: 2019-03-14. Review status: no assertion criteria provided. Collection method: clinical testing. Allele origin: germline. Not counted in ClinVar's aggregate classification.
Comment: This variant is classified as likely benign based on ACMG/AMP sequence variant interpretation guidelines (Richards et al. 2015 PMID: 25741868, with internal and published modifications).